The following is an entry in ClinVar:

NM_001369.3(DNAH5):c.293del (p.Leu98fs)

Gene: DNAH5 (dynein axonemal heavy chain 5; minus strand). Cytogenetic location: 5p15.2.
Variant type: Deletion.
Coding change: c.293del on transcript NM_001369.3 (MANE Select); coding-DNA position 293, one base deleted (T; older notation c.293delT).
Protein change: p.Leu98fs; shifts the reading frame from leucine 98.
Molecular consequence: frameshift variant.
Genome position (GRCh38, 1-based): chr5:13,923,425, A deleted on the plus strand (T on the coding strand, the reverse complement: DNAH5 is on the minus strand). VCF-style (leftmost placement, unchanged base first): chr5-13923424-TA-T. GRCh37 (hg19) VCF-style: chr5-13923533-TA-T.
Other names: short protein forms L98fs.
Identifiers: ClinVar variation 1726487 (VCV001726487.2), dbSNP rs2547160797, ClinGen allele CA2580072135.
Genomic context (GRCh38, chr5:13,923,424, plus strand): 5'-TCCCTCGGTCACGAACACCTTAGGTTTTTTAATCTTTCCAGAAACAAGATTTACCCCTCC[TA>T]GAGAGCCAAGTTGTCCTACAAAAGCAAAATAATTTTAGTTTCACAAATGCTTTTTGCAGT-3'

ClinVar aggregate classification (germline): Likely pathogenic (1 of 4 stars; one submission).

Conditions:
Primary ciliary dyskinesia 3. Identifiers: Orphanet 244, MedGen C1837618, MONDO:0012085, OMIM 608644.

Submission:

Myriad Genetics, Inc.
Classification: Likely pathogenic for Primary ciliary dyskinesia 3. Last evaluated: 2021-12-17. Review status: criteria provided, single submitter. Criteria: Myriad Women's Health Autosomal Recessive and X-Linked Classification Criteria (2021). Collection method: clinical testing. Allele origin: unknown.
Comment: NM_001369.2(DNAH5):c.293delT(L98Qfs*4) is expected to be pathogenic in the context of DNAH5-related primary ciliary dyskinesia. This variant is predicted to lead to an abnormal or absent protein product due to the creation of a premature termination codon in DNAH5, a gene where loss-of-function variants are known to be pathogenic. Please note: this variant was assessed in the context of healthy population screening.